The following is an entry in ClinVar:

NM_139276.3(STAT3):c.2228G>T (p.Gly743Val)

Gene: STAT3 (signal transducer and activator of transcription 3; minus strand). Cytogenetic location: 17q21.2.
Variant type: single nucleotide variant.
Coding change: c.2228G>T on transcript NM_139276.3 (MANE Select); coding-DNA position 2228, G replaced by T.
Protein change: p.Gly743Val; replaces glycine 743 with valine.
Molecular consequence: missense variant. On other transcripts: 3 prime UTR variant (7).
Genome position (GRCh38, 1-based): chr17:42,316,818, C>A on the plus strand (G>T on the coding strand, the complement: STAT3 is on the minus strand). VCF-style: chr17-42316818-C-A. GRCh37 (hg19) VCF-style: chr17-40468836-C-A.
Other names: p.Gly743Val; c.2228G>T, p.Gly743Val (NM_001369512.1, NM_001369513.1); c.2225G>T, p.Gly742Val (NM_001369514.1, NM_001369516.1, NM_003150.4); c.*9G>T (NM_001369517.1, NM_001369518.1, NM_001369519.1 and 4 more transcripts); c.2144G>T, p.Gly715Val (NM_001384984.1); c.2150G>T, p.Gly717Val (NM_001384985.1); c.2207G>T, p.Gly736Val (NM_001384987.1); c.2132G>T, p.Gly711Val (NM_001384988.1); and 4 more; short protein forms G743V, G742V, G710V, G711V, G715V, G717V, G723V, G734V.
Identifiers: ClinVar variation 514074 (VCV000514074.43), dbSNP rs151033214, ClinGen allele CA8575127.
Genomic context (GRCh38, chr17:42,316,818, plus strand): 5'-TAGGGACAAAGTCTGTCAACCAAATACTCACCAAACTGCCCTCCTGCTGAGGGTTCAGCA[C>A]CTTCACCATTATTTCCAAACTGCATCAATGAATCTAAAGTGCGGGGGGACATCGGCAGGT-3'
Protein context (NP_644805.1, residues 733-753): SLMQFGNNGE[Gly743Val]AEPSAGGQFE

ClinVar aggregate classification (germline): Conflicting classifications of pathogenicity. Review status: criteria provided, conflicting classifications (1 of 4 stars). 8 submissions from 8 submitters: Uncertain significance (3); Likely benign (4). 1 of the submissions does not count toward it. Last evaluated 2025-12-20.

Conditions:
STAT3 gain of function. Identifiers: MedGen C4288261.
Hyper-IgE recurrent infection syndrome 1, autosomal dominant. Also called: STAT3 Hyper IgE Syndrome; Hyper-IgE recurrent infection syndrome 1; HYPER-IgE SYNDROME 1, AUTOSOMAL DOMINANT, WITH RECURRENT INFECTIONS; Job's Syndrome; JOB SYNDROME. Identifiers: Orphanet 2314, MedGen C2936739, MONDO:0007818, OMIM 147060.
STAT3-related disorder. Also called: STAT3-related condition.
STAT3-related early-onset multisystem autoimmune disease. Also called: Autoimmune disease, multisystem, infantile-onset, 1. Identifiers: Orphanet 438159, MedGen C4014795, MONDO:0014414, OMIM 615952.

Allele frequency attached by ClinVar (database versions not stated): TOPMed 0.00010; gnomAD 0.00011; gnomAD exomes 0.00011 and 0.00015; ExAC 0.00016; ESP Exome Variant Server 0.00023.
gnomAD v4.1: 225 of 1,613,772 alleles (0.014%); highest among the groups gnomAD compares: Non-Finnish European, 0.018%; no homozygotes.

Submissions (8):

Labcorp Genetics (formerly Invitae), Labcorp
Classification: Likely benign for STAT3 gain of function; Hyper-IgE recurrent infection syndrome 1, autosomal dominant. Last evaluated: 2025-12-20. Review status: criteria provided, single submitter. Criteria: Invitae Variant Classification Sherloc (09022015). Collection method: clinical testing. Allele origin: germline.

Center for Genomic Medicine, Rigshospitalet, Copenhagen University Hospital
Classification: Uncertain significance. Last evaluated: 2025-03-04. Review status: criteria provided, single submitter. Criteria: ACMG Guidelines, 2015. Collection method: clinical testing. Allele origin: germline.

Blueprint Genetics
Classification: Likely benign. Last evaluated: 2024-09-18. Review status: criteria provided, single submitter. Criteria: ACMG Guidelines, 2015. Collection method: clinical testing. Allele origin: germline.

Mayo Clinic Laboratories, Mayo Clinic
Classification: Uncertain significance. Last evaluated: 2024-05-30. Review status: criteria provided, single submitter. Criteria: ACMG Guidelines, 2015. Collection method: clinical testing. Allele origin: germline. Observed: 10 variant alleles.
Comment: PP2, PS3_supporting

CeGaT Center for Human Genetics Tuebingen
Classification: Likely benign. Last evaluated: 2024-02-01. Review status: criteria provided, single submitter. Criteria: CeGaT Center For Human Genetics Tuebingen Variant Classification Criteria Version 2. Collection method: clinical testing. Allele origin: germline. Affected: yes. Observed: 1 variant allele.
Comment: STAT3: PP2, BS2

GeneDx
Classification: Likely benign. Last evaluated: 2019-01-17. Review status: criteria provided, single submitter. Criteria: GeneDx Variant Classification Process June 2021. Collection method: clinical testing. Allele origin: germline. Affected: yes.

Center for Genomics, Ann and Robert H. Lurie Children's Hospital of Chicago
Classification: Uncertain significance for Hyper-IgE recurrent infection syndrome 1, autosomal dominant; STAT3-related early-onset multisystem autoimmune disease. Review status: criteria provided, single submitter. Criteria: ACMG Guidelines, 2015. Collection method: clinical testing. Allele origin: germline.
Comment: STAT3 NM_139276.2 exon 23 p.Gly743Val (c.2228G>T): This variant has not been reported in the literature but is present in 34/126596 European alleles in the Genome Aggregation Database. This variant is present in ClinVar (Variation ID:514074). Evolutionary conservation and computational predictive tools for this variant are unclear. In summary, data on this variant is insufficient for disease classification. Therefore, the clinical significance of this variant is uncertain.

PreventionGenetics, part of Exact Sciences
Classification: Uncertain significance for STAT3-related condition. Last evaluated: 2024-01-12. Review status: no assertion criteria provided. Collection method: clinical testing. Allele origin: germline. Not counted in ClinVar's aggregate classification.
Comment: The STAT3 c.2228G>T variant is predicted to result in the amino acid substitution p.Gly743Val. To our knowledge, this variant has not been reported in the literature. This variant is reported in 0.026% of alleles in individuals of European (Non-Finnish) descent in gnomAD. Although we suspect that this variant may be benign, at this time, the clinical significance of this variant is uncertain due to the absence of conclusive functional and genetic evidence.

Literature cited by the submitters: PubMed 29296824 (cited by Mayo Clinic Laboratories, Mayo Clinic); PubMed 34137790 (cited by Mayo Clinic Laboratories, Mayo Clinic).